The following is an entry in ClinVar:

ClinVar aggregate classification (germline): Likely pathogenic (1 of 4 stars; one submission).

Conditions:
GLI3-related disorder. Also called: GLI3-related condition; GLI3-related disorders. Identifiers: MedGen CN239292.

Submission:

PreventionGenetics, part of Exact Sciences
Classification: Likely pathogenic for GLI3-related condition. Last evaluated: 2025-04-09. Review status: criteria provided, single submitter. Criteria: ACMG Guidelines, 2015. Collection method: clinical testing. Allele origin: germline.
Comment: The GLI3 c.2432-1G>C variant is predicted to disrupt the AG splice acceptor site and interfere with normal splicing. To our knowledge, this variant has not been reported in the literature or in a large population database (gnomAD), indicating this variant is rare. An alternate nucleotide change impacting this splice acceptor site has been reported in a family with Pallister-Hall syndrome (c.2432-1G>A; Supplementary Table 1, Maddirevula et al. 2018. PubMed ID: 29620724). Variants that disrupt the consensus splice acceptor site in GLI3 are expected to be pathogenic. This variant is interpreted as likely pathogenic.

NM_000168.6(GLI3):c.2432-1G>C

Gene: GLI3 (GLI family zinc finger 3; minus strand). Cytogenetic location: 7p14.1.
Variant type: single nucleotide variant.
Coding change: c.2432-1G>C on transcript NM_000168.6 (MANE Select); the canonical splice acceptor site of the intron before coding-DNA position 2432, G replaced by C.
Molecular consequence: splice acceptor variant.
Genome position (GRCh38, 1-based): chr7:41,966,642, C>G on the plus strand (G>C on the coding strand, the complement: GLI3 is on the minus strand). VCF-style: chr7-41966642-C-G. GRCh37 (hg19) VCF-style: chr7-42006240-C-G.
Identifiers: ClinVar variation 4997716 (VCV004997716.1).